The following is an entry in ClinVar:

NM_001042492.3(NF1):c.4046C>A (p.Ala1349Asp)

Gene: NF1 (neurofibromin 1; plus strand). Cytogenetic location: 17q11.2.
Variant type: single nucleotide variant.
Coding change: c.4046C>A on transcript NM_001042492.3 (MANE Select); coding-DNA position 4046, C replaced by A.
Protein change: p.Ala1349Asp; replaces alanine 1349 with aspartic acid.
Molecular consequence: missense variant.
Genome position (GRCh38, 1-based): chr17:31,249,055, C>A. VCF-style: chr17-31249055-C-A. GRCh37 (hg19) VCF-style: chr17-29576073-C-A.
Other names: c.4046C>A, p.Ala1349Asp (NM_000267.4); short protein forms A1349D.
Identifiers: ClinVar variation 481880 (VCV000481880.15), dbSNP rs1229215269, ClinGen allele CA398994967.
Genomic context (GRCh38, chr17:31,249,055, plus strand): 5'-CAGAGAGCCTTGAGGAAAACCAGCGGAACCTCCTTCAGATGACTGAAAAGTTCTTCCATG[C>A]CATCATCAGTTCCTCCTCAGAATTCCCCCCTCAACTTCGAAGTGTGTGCCACTGTTTATA-3'
Protein context (NP_001035957.1, residues 1339-1359): LLQMTEKFFH[Ala1349Asp]IISSSSEFPP

ClinVar aggregate classification (germline): Conflicting classifications of pathogenicity. Review status: criteria provided, conflicting classifications (1 of 4 stars). 4 submissions from 4 submitters: Uncertain significance (3); Likely benign (1). Last evaluated 2025-11-11.

Conditions:
Neurofibromatosis, type 1 (NF1). Also called: Neurofibromatosis, type I; Peripheral type neurofibromatosis; VON RECKLINGHAUSEN DISEASE; NEUROFIBROMATOSIS, TYPE I, SOMATIC. Identifiers: Orphanet 636, MedGen C0027831, MONDO:0018975, OMIM 162200. Disease mechanism: loss of function.
Cardiovascular phenotype. Identifiers: MedGen CN230736.
Hereditary cancer-predisposing syndrome. Also called: Neoplastic Syndromes, Hereditary; Tumor predisposition; Hereditary neoplastic syndrome; Hereditary Cancer Syndrome. Identifiers: Orphanet 140162, MedGen C0027672, MeSH D009386, MONDO:0015356.

Allele frequency attached by ClinVar (database versions not stated): gnomAD exomes 0.00001.
gnomAD v4.1: 3 of 1,614,050 alleles (0.00019%); highest among the groups gnomAD compares: Admixed American, 0.005%; no homozygotes.

Submissions (4):

Labcorp Genetics (formerly Invitae), Labcorp
Classification: Likely benign for Neurofibromatosis, type 1. Last evaluated: 2025-11-11. Review status: criteria provided, single submitter. Criteria: Invitae Variant Classification Sherloc (09022015). Collection method: clinical testing. Allele origin: germline.

GeneDx
Classification: Uncertain significance. Last evaluated: 2025-10-06. Review status: criteria provided, single submitter. Criteria: GeneDx Variant Classification Process June 2021. Collection method: clinical testing. Allele origin: germline.
Comment: In silico analysis supports that this missense variant has a deleterious effect on protein structure/function; Has not been previously published as pathogenic or benign germline variant to our knowledge; This variant is associated with the following publications: (PMID: 25486365, 22807134, 30981987)

Genome-Nilou Lab
Classification: Uncertain significance for Neurofibromatosis, type 1. Last evaluated: 2022-03-15. Review status: criteria provided, single submitter. Criteria: ACMG Guidelines, 2015. Collection method: clinical testing. Allele origin: germline. Affected: no.

Ambry Genetics
Classification: Uncertain significance for Cardiovascular phenotype; Hereditary cancer-predisposing syndrome. Last evaluated: 2020-04-07. Review status: criteria provided, single submitter. Criteria: Ambry Variant Classification Scheme 2023. Collection method: clinical testing. Allele origin: germline.